The following is an entry in ClinVar:

NM_025243.4(SLC19A3):c.557T>C (p.Phe186Ser)

Gene: SLC19A3 (solute carrier family 19 member 3; minus strand). Cytogenetic location: 2q36.3.
Variant type: single nucleotide variant.
Coding change: c.557T>C on transcript NM_025243.4 (MANE Select); coding-DNA position 557, T replaced by C.
Protein change: p.Phe186Ser; replaces phenylalanine 186 with serine.
Molecular consequence: missense variant.
Genome position (GRCh38, 1-based): chr2:227,699,158, A>G on the plus strand (T>C on the coding strand, the complement: SLC19A3 is on the minus strand). VCF-style: chr2-227699158-A-G. GRCh37 (hg19) VCF-style: chr2-228563874-A-G.
Other names: short protein forms F186S.
Identifiers: ClinVar variation 215151 (VCV000215151.16), dbSNP rs116533505, ClinGen allele CA322152.
Genomic context (GRCh38, chr2:227,699,158, plus strand): 5'-TCTCTGCTGGGTTTTGCATGAAAAAACATGCTTTTCTTGGGCATTGGTAGGAAAAGTGAG[A>G]AAAGGAAAGCCACGGAGACAGAGGCCAAGGATATGACGTTGAGGTAAAAGTACGACATGT-3'
Protein context (NP_079519.1, residues 176-196): SLASVSVAFL[Phe186Ser]SLFLPMPKKS

ClinVar aggregate classification (germline): Conflicting classifications of pathogenicity. Review status: criteria provided, conflicting classifications (1 of 4 stars). 2 submissions from 2 submitters: Uncertain significance (1); Likely benign (1). Last evaluated 2025-12-11.

Conditions:
Biotin-responsive basal ganglia disease (BTBGD). Also called: Thiamine metabolism dysfunction syndrome type 2; Thiamine Transporter-2 Deficiency; Thiamine metabolism dysfunction syndrome 2 (biotin- or thiamine-responsive encephalopathy type 2); thiamine-responsive encephalopathy; THIAMINE METABOLISM DYSFUNCTION SYNDROME 2 (BIOTIN- AND THIAMINE-RESPONSIVE TYPE). Identifiers: Orphanet 199348, Orphanet 65284, MedGen C1843807, MONDO:0011841, OMIM 607483.

Allele frequency attached by ClinVar (database versions not stated): gnomAD exomes 0.00002 and 0.00006; ExAC 0.00005; ESP Exome Variant Server 0.00015; gnomAD 0.00018 and 0.00019; TOPMed 0.00020; 1000 Genomes Project 0.00040; 1000 Genomes Project 30x 0.00062.
gnomAD v4.1: 64 of 1,614,154 alleles (0.004%); highest among the groups gnomAD compares: African/African-American, 0.075%; no homozygotes.

Submissions (2):

Labcorp Genetics (formerly Invitae), Labcorp
Classification: Likely benign for Biotin-responsive basal ganglia disease. Last evaluated: 2025-12-11. Review status: criteria provided, single submitter. Criteria: Invitae Variant Classification Sherloc (09022015). Collection method: clinical testing. Allele origin: germline.

GeneDx
Classification: Uncertain significance. Last evaluated: 2025-03-28. Review status: criteria provided, single submitter. Criteria: GeneDx Variant Classification Process June 2021. Collection method: clinical testing. Allele origin: germline. Affected: yes.
Comment: In silico analysis indicates that this missense variant does not alter protein structure/function; Has not been previously published as pathogenic or benign to our knowledge